The following is an entry in ClinVar:

ClinVar aggregate classification (germline): Pathogenic. Review status: criteria provided, single submitter (1 of 4 stars). 2 submissions from 2 submitters: Pathogenic (1). 1 of the submissions does not count toward it. Last evaluated 2023-04-30.

Conditions:
Charlevoix-Saguenay spastic ataxia (SACS). Also called: SPASTIC ATAXIA 6, AUTOSOMAL RECESSIVE; AUTOSOMAL RECESSIVE SPASTIC ATAXIA OF CHARLEVOIX-SAGUENAY; Spastic ataxia of Charlevoix-Saguenay. Identifiers: Orphanet 98, MedGen C1849140, MONDO:0010041, OMIM 270550.
Spastic paraplegia. Identifiers: MedGen C0037772, HP:0001258.

Allele frequency attached by ClinVar (database versions not stated): gnomAD exomes below 0.00001.
gnomAD v4.1: 1 of 1,613,980 alleles (0.000062%); highest among the groups gnomAD compares: South Asian, 0.0011%; no homozygotes.

Submissions (2):

Labcorp Genetics (formerly Invitae), Labcorp
Classification: Pathogenic for Spastic paraplegia. Last evaluated: 2023-04-30. Review status: criteria provided, single submitter. Criteria: Invitae Variant Classification Sherloc (09022015). Collection method: clinical testing. Allele origin: germline.
Comment: For these reasons, this variant has been classified as Pathogenic. This variant disrupts a region of the SACS protein in which other variant(s) (p.Asn4549Asp) have been determined to be pathogenic (PMID: 15156359, 21507954). This suggests that this is a clinically significant region of the protein, and that variants that disrupt it are likely to be disease-causing. ClinVar contains an entry for this variant (Variation ID: 556998). This variant has not been reported in the literature in individuals affected with SACS-related conditions. This variant is not present in population databases (gnomAD no frequency). This sequence change creates a premature translational stop signal (p.Gln4426*) in the SACS gene. While this is not anticipated to result in nonsense mediated decay, it is expected to disrupt the last 154 amino acid(s) of the SACS protein.

Counsyl
Classification: Likely pathogenic for Charlevoix-Saguenay spastic ataxia. Last evaluated: 2018-03-06. Review status: no assertion criteria provided. Collection method: clinical testing. Allele origin: unknown. Not counted in ClinVar's aggregate classification.

Literature cited by the submitters: PubMed 15156359 (cited by Labcorp Genetics (formerly Invitae), Labcorp); PubMed 21507954 (cited by Labcorp Genetics (formerly Invitae), Labcorp).

NM_014363.6(SACS):c.13276C>T (p.Gln4426Ter)

Gene: SACS (sacsin molecular chaperone; minus strand). Cytogenetic location: 13q12.12.
Variant type: single nucleotide variant.
Coding change: c.13276C>T on transcript NM_014363.6 (MANE Select); coding-DNA position 13276, C replaced by T.
Protein change: p.Gln4426Ter; replaces glutamine 4426 with a stop codon.
Molecular consequence: nonsense.
Genome position (GRCh38, 1-based): chr13:23,330,600, G>A on the plus strand (C>T on the coding strand, the complement: SACS is on the minus strand). VCF-style: chr13-23330600-G-A. GRCh37 (hg19) VCF-style: chr13-23904739-G-A.
Other names: c.12835C>T, p.Gln4279Ter (NM_001278055.2); short protein forms Q4426*, Q4279*.
Identifiers: ClinVar variation 556998 (VCV000556998.5), dbSNP rs1555249276, ClinGen allele CA387505611.